The following is an entry in ClinVar:

NM_001004334.4(GPR179):c.3799T>A (p.Trp1267Arg)

Gene: GPR179 (G protein-coupled receptor 179; minus strand). Cytogenetic location: 17q12.
Variant type: single nucleotide variant.
Coding change: c.3799T>A on transcript NM_001004334.4 (MANE Select); coding-DNA position 3799, T replaced by A.
Protein change: p.Trp1267Arg; replaces tryptophan 1267 with arginine.
Molecular consequence: missense variant.
Genome position (GRCh38, 1-based): chr17:38,329,770, A>T on the plus strand (T>A on the coding strand, the complement: GPR179 is on the minus strand). VCF-style: chr17-38329770-A-T. GRCh37 (hg19) VCF-style: chr17-36485653-A-T.
Other names: short protein forms W1267R.
Identifiers: ClinVar variation 1969138 (VCV001969138.5), dbSNP rs1461408167, ClinGen allele CA398878502.

ClinVar aggregate classification (germline): Uncertain significance (1 of 4 stars; one submission).

Allele frequency attached by ClinVar (database versions not stated): gnomAD exomes below 0.00001; TOPMed below 0.00001; gnomAD 0.00001.
gnomAD v4.1: 3 of 1,613,914 alleles (0.00019%); highest among the groups gnomAD compares: Non-Finnish European, 0.00025%; no homozygotes.

Submission:

Labcorp Genetics (formerly Invitae), Labcorp
Classification: Uncertain significance. Last evaluated: 2022-07-08. Review status: criteria provided, single submitter. Criteria: Invitae Variant Classification Sherloc (09022015). Collection method: clinical testing. Allele origin: germline.
Comment: In summary, the available evidence is currently insufficient to determine the role of this variant in disease. Therefore, it has been classified as a Variant of Uncertain Significance. Algorithms developed to predict the effect of missense changes on protein structure and function are either unavailable or do not agree on the potential impact of this missense change (SIFT: "Deleterious"; PolyPhen-2: "Possibly Damaging"; Align-GVGD: "Class C0"). This variant has not been reported in the literature in individuals affected with GPR179-related conditions. This variant is present in population databases (no rsID available, gnomAD 0.002%). This sequence change replaces tryptophan, which is neutral and slightly polar, with arginine, which is basic and polar, at codon 1267 of the GPR179 protein (p.Trp1267Arg).